The following is an entry in ClinVar:

NM_001303256.3(MORC2):c.2313G>A (p.Lys771=)

Gene: MORC2 (MORC family CW-type zinc finger 2; minus strand). Cytogenetic location: 22q12.2.
Variant type: single nucleotide variant.
Coding change: c.2313G>A on transcript NM_001303256.3 (MANE Select); coding-DNA position 2313, G replaced by A.
Protein change: p.Lys771=; no amino-acid change (lysine 771 retained).
Molecular consequence: synonymous variant.
Genome position (GRCh38, 1-based): chr22:30,934,072, C>T on the plus strand (G>A on the coding strand, the complement: MORC2 is on the minus strand). VCF-style: chr22-30934072-C-T. GRCh37 (hg19) VCF-style: chr22-31330059-C-T.
Other names: c.2313G>A, p.Lys771= (NM_001303257.2); c.2127G>A, p.Lys709= (NM_014941.3); c.2313G>A (NM_001303256.2).
Identifiers: ClinVar variation 1161015 (VCV001161015.15), dbSNP rs144738487, ClinGen allele CA10186721.

ClinVar aggregate classification (germline): Likely benign. Review status: criteria provided, multiple submitters, no conflicts (2 of 4 stars). 4 submissions from 4 submitters: Likely benign (4). Last evaluated 2026-03-01.

Conditions:
Charcot-Marie-Tooth disease axonal type 2Z. Also called: CHARCOT-MARIE-TOOTH DISEASE, AXONAL, AUTOSOMAL DOMINANT, TYPE 2Z; CHARCOT-MARIE-TOOTH NEUROPATHY, TYPE 2Z. Identifiers: Orphanet 466768, MedGen C5569025, MONDO:0014736, OMIM 616688.
MORC2-related disorder. Also called: MORC2-related condition.

Allele frequency attached by ClinVar (database versions not stated): gnomAD 0.00005 and 0.00006; gnomAD exomes 0.00007; TOPMed 0.00007; ExAC 0.00008; ESP Exome Variant Server 0.00008.
gnomAD v4.1: 122 of 1,614,006 alleles (0.0076%); highest among the groups gnomAD compares: Non-Finnish European, 0.0092%; no homozygotes.

Submissions (4):

CeGaT Center for Human Genetics Tuebingen
Classification: Likely benign. Last evaluated: 2026-03-01. Review status: criteria provided, single submitter. Criteria: CeGaT Center For Human Genetics Tuebingen Variant Classification Criteria Version 2. Collection method: clinical testing. Allele origin: germline. Affected: yes. Observed: 1 variant allele.
Comment: MORC2: BP4, BP7

Labcorp Genetics (formerly Invitae), Labcorp
Classification: Likely benign for Charcot-Marie-Tooth disease axonal type 2Z. Last evaluated: 2025-12-16. Review status: criteria provided, single submitter. Criteria: Invitae Variant Classification Sherloc (09022015). Collection method: clinical testing. Allele origin: germline.

PreventionGenetics, part of Exact Sciences
Classification: Likely benign for MORC2-related condition. Last evaluated: 2025-09-16. Review status: criteria provided, single submitter. Criteria: ACMG Guidelines, 2015. Collection method: clinical testing. Allele origin: germline.
Comment: This variant is classified as likely benign based on ACMG/AMP sequence variant interpretation guidelines (Richards et al. 2015 PMID: 25741868, with internal and published modifications).

Blueprint Genetics
Classification: Likely benign. Last evaluated: 2024-08-30. Review status: criteria provided, single submitter. Criteria: ACMG Guidelines, 2015. Collection method: clinical testing. Allele origin: germline.